The following is an entry in ClinVar:

ClinVar aggregate classification (germline): Pathogenic (1 of 4 stars; one submission).

Conditions:
Oligosynaptic infertility (SPGF1). Also called: SPERMATOGENIC FAILURE 1; OLIGOCHIASMATIC INFERTILITY. Identifiers: MedGen C0403810, MONDO:0009776, OMIM 258150.
46 XY differences of sex development. Also called: 46, XY disorder of sex development (DSD); 46,XY disorder of sex development. Identifiers: Orphanet 98085, MedGen C2751824, MONDO:0020040.

Submission:

Labcorp Genetics (formerly Invitae), Labcorp
Classification: Pathogenic for 46 XY differences of sex development; Oligosynaptic infertility. Last evaluated: 2024-01-04. Review status: criteria provided, single submitter. Criteria: Invitae Variant Classification Sherloc (09022015). Collection method: clinical testing. Allele origin: germline.
Comment: This sequence change creates a premature translational stop signal (p.Tyr201Metfs*95) in the NR5A1 gene. It is expected to result in an absent or disrupted protein product. Loss-of-function variants in NR5A1 are known to be pathogenic (PMID: 10369247, 12907682, 19246354). This variant is not present in population databases (gnomAD no frequency). This variant has not been reported in the literature in individuals affected with NR5A1-related conditions. For these reasons, this variant has been classified as Pathogenic.

Literature cited by the submitters: PubMed 10369247; PubMed 12907682; PubMed 19246354.

NM_004959.5(NR5A1):c.601del (p.Tyr201fs)

Gene: NR5A1 (nuclear receptor subfamily 5 group A member 1; minus strand). Cytogenetic location: 9q33.3.
Variant type: Deletion.
Coding change: c.601del on transcript NM_004959.5 (MANE Select); coding-DNA position 601, one base deleted (T; older notation c.601delT).
Protein change: p.Tyr201fs; shifts the reading frame from tyrosine 201.
Molecular consequence: frameshift variant.
Genome position (GRCh38, 1-based): chr9:124,500,359, A deleted on the plus strand (T on the coding strand, the reverse complement: NR5A1 is on the minus strand); the first of 2 consecutive A bases (chr9:124,500,359-124,500,360); deleting either gives the same sequence. VCF-style (leftmost placement, unchanged base first): chr9-124500358-TA-T. GRCh37 (hg19) VCF-style: chr9-127262637-TA-T.
Other names: short protein forms Y201fs.
Identifiers: ClinVar variation 2921914 (VCV002921914.3), dbSNP rs2538683958, ClinGen allele CA2740095597.
Genomic context (GRCh38, chr9:124,500,358, plus strand): 5'-GGCCCTCCAGAGAAGGGCTCTGGGTAGCCGTACGGCAGCCCAGGCTGTGGGGGGCTGGCA[TA>T]AGGCTCCGGGTACTCAGACTTGATGGCACGGCCAGGAAAGGCAGGGTAGAGGTAGCCAGC-3'